The following is an entry in ClinVar:

NM_005902.4(SMAD3):c.931A>G (p.Ser311Gly)

Gene: SMAD3 (SMAD family member 3; plus strand). Cytogenetic location: 15q22.33.
Variant type: single nucleotide variant.
Coding change: c.931A>G on transcript NM_005902.4 (MANE Select); coding-DNA position 931, A replaced by G.
Protein change: p.Ser311Gly; replaces serine 311 with glycine.
Molecular consequence: missense variant. On other transcripts: intron variant (1).
Genome position (GRCh38, 1-based): chr15:67,184,786, A>G. VCF-style: chr15-67184786-A-G. GRCh37 (hg19) VCF-style: chr15-67477124-A-G.
Other names: c.616A>G, p.Ser206Gly (NM_001145102.2, NM_001407016.1); c.799A>G, p.Ser267Gly (NM_001145103.2, NM_001407012.1); c.346A>G, p.Ser116Gly (NM_001145104.2, NM_001407017.1); c.931A>G, p.Ser311Gly (NM_001407011.1); c.784A>G, p.Ser262Gly (NM_001407014.1); c.484A>G, p.Ser162Gly (NM_001407015.1); c.872-2579A>G (NM_001407013.1); c.931A>G (NM_005902.3); short protein forms S267G, S162G, S262G, S116G, S206G, S311G.
Identifiers: ClinVar variation 2885430 (VCV002885430.5), dbSNP rs757548494, ClinGen allele CA062854.
Genomic context (GRCh38, chr15:67,184,786, plus strand): 5'-GGAAGAGGCGTGCGGCTCTACTACATCGGAGGGGAGGTCTTCGCAGAGTGCCTCAGTGAC[A>G]GCGCTATTTTTGTCCAGTCTCCCAACTGTAACCAGCGCTATGGCTGGCACCCGGCCACCG-3'
Protein context (NP_005893.1, residues 301-321): GEVFAECLSD[Ser311Gly]AIFVQSPNCN

ClinVar aggregate classification (germline): Uncertain significance. Review status: criteria provided, multiple submitters, no conflicts (2 of 4 stars). 3 submissions from 3 submitters: Uncertain significance (3). Last evaluated 2025-06-09.

Conditions:
Familial thoracic aortic aneurysm and aortic dissection (TAAD). Also called: Thoracic aortic aneurysms and dissections. Identifiers: Orphanet 91387, MedGen C4707243, MONDO:0019625.

Allele frequency attached by ClinVar (database versions not stated): gnomAD exomes 0.00002; ExAC 0.00005.
gnomAD v4.1: 13 of 1,613,974 alleles (0.00081%); highest among the groups gnomAD compares: Non-Finnish European, 0.001%; no homozygotes.

Submissions (3):

Color Diagnostics, LLC DBA Color Health
Classification: Uncertain significance for Familial thoracic aortic aneurysm and aortic dissection. Last evaluated: 2025-06-09. Review status: criteria provided, single submitter. Criteria: ACMG Guidelines, 2015. Collection method: clinical testing. Allele origin: germline.
Comment: This missense variant replaces serine with glycine at codon 311 of the SMAD3 protein. Computational prediction suggests that this variant may have a deleterious impact on protein structure and function. To our knowledge, functional studies have not been reported for this variant. This variant has not been reported in individuals affected with SMAD3-related disorders in the literature. This variant has been identified in 5/251470 chromosomes in the general population by the Genome Aggregation Database (gnomAD). The available evidence is insufficient to determine the role of this variant in disease conclusively. Therefore, this variant is classified as a Variant of Uncertain Significance.

Ambry Genetics
Classification: Uncertain significance for Familial thoracic aortic aneurysm and aortic dissection. Last evaluated: 2024-08-01. Review status: criteria provided, single submitter. Criteria: Ambry Variant Classification Scheme 2023. Collection method: clinical testing. Allele origin: germline.
Comment: The p.S311G variant (also known as c.931A>G), located in coding exon 7 of the SMAD3 gene, results from an A to G substitution at nucleotide position 931. The serine at codon 311 is replaced by glycine, an amino acid with similar properties. This amino acid position is highly conserved in available vertebrate species. In addition, this alteration is predicted to be deleterious by in silico analysis. Based on the available evidence, the clinical significance of this variant remains unclear.

Labcorp Genetics (formerly Invitae), Labcorp
Classification: Uncertain significance for Familial thoracic aortic aneurysm and aortic dissection. Last evaluated: 2023-08-23. Review status: criteria provided, single submitter. Criteria: Invitae Variant Classification Sherloc (09022015). Collection method: clinical testing. Allele origin: germline.
Comment: Advanced modeling of protein sequence and biophysical properties (such as structural, functional, and spatial information, amino acid conservation, physicochemical variation, residue mobility, and thermodynamic stability) performed at Invitae indicates that this missense variant is expected to disrupt SMAD3 protein function. In summary, the available evidence is currently insufficient to determine the role of this variant in disease. Therefore, it has been classified as a Variant of Uncertain Significance. This variant has not been reported in the literature in individuals affected with SMAD3-related conditions. This sequence change replaces serine, which is neutral and polar, with glycine, which is neutral and non-polar, at codon 311 of the SMAD3 protein (p.Ser311Gly). This variant is present in population databases (rs757548494, gnomAD 0.004%).